The following is an entry in ClinVar:

ClinVar aggregate classification (germline): Uncertain significance. Review status: reviewed by expert panel (3 of 4 stars). 2 submissions from 2 submitters: Uncertain significance (1). 1 of the submissions does not count toward it. Last evaluated 2026-05-05.

Conditions:
ABCA4-related retinopathy. Also called: ABCA4 retinoapthy; ABCA4-related retinoapthy. Identifiers: MedGen CN322612, MONDO:0800406.

Submissions (2):

ClinGen ABCA4 Variant Curation Expert Panel, Clingen
Classification: Uncertain significance for ABCA4-related retinopathy. Last evaluated: 2026-05-05. Review status: reviewed by expert panel. Criteria: ClinGen ABCA4 ACMG Specifications V1.0.0. Collection method: curation. Allele origin: germline. Inheritance: Autosomal recessive inheritance.
Comment: The NM_000350.3(ABCA4):c.6283-3C>T variant in ABCA4 is an intronic variant which is located in intron 45. The total minor allele frequency in gnomAD v4.1.0 is 0.000002483 (4/1610764 alleles), which is lower than the ClinGen ABCA4 VCEP’s threshold for PM2_Supporting (<0.0001). The computational predictor SpliceAI gives a score of 0.04 which is below the threshold of ≤0.1, evidence that does not predict a damaging effect on ABCA4 function (BP4). To our knowledge, this variant has not been reported in the literature in any individuals with ABCA4-related retinopathy. In summary, this variant is classified as a variant of uncertain significance for ABCA4-related retinopathy based on the ACMG/AMP criteria applied, as specified by the ClinGen ABCA4 VCEP specification Version 1.0.0: PM2_Supporting, BP4.

Labcorp Genetics (formerly Invitae), Labcorp
Classification: Uncertain significance. Last evaluated: 2022-09-14. Review status: criteria provided, single submitter. Criteria: Invitae Variant Classification Sherloc (09022015). Collection method: clinical testing. Allele origin: germline. Not counted in ClinVar's aggregate classification.
Comment: This sequence change falls in intron 45 of the ABCA4 gene. It does not directly change the encoded amino acid sequence of the ABCA4 protein. It affects a nucleotide within the consensus splice site. This variant is present in population databases (no rsID available, gnomAD 0.003%). This variant has not been reported in the literature in individuals affected with ABCA4-related conditions. Variants that disrupt the consensus splice site are a relatively common cause of aberrant splicing (PMID: 17576681, 9536098). Algorithms developed to predict the effect of sequence changes on RNA splicing suggest that this variant is not likely to affect RNA splicing. In summary, the available evidence is currently insufficient to determine the role of this variant in disease. Therefore, it has been classified as a Variant of Uncertain Significance.

Literature cited by the submitters: PubMed 17576681 (cited by Labcorp Genetics (formerly Invitae), Labcorp); PubMed 9536098 (cited by Labcorp Genetics (formerly Invitae), Labcorp).

NM_000350.3(ABCA4):c.6283-3C>T

Gene: ABCA4 (ATP binding cassette subfamily A member 4; minus strand). Cytogenetic location: 1p22.1.
Variant type: single nucleotide variant.
Coding change: c.6283-3C>T on transcript NM_000350.3 (MANE Select); 3 bases into the intron before coding-DNA position 6283, C replaced by T.
Molecular consequence: intron variant.
Genome position (GRCh38, 1-based): chr1:94,001,108, G>A on the plus strand (C>T on the coding strand, the complement: ABCA4 is on the minus strand). VCF-style: chr1-94001108-G-A. GRCh37 (hg19) VCF-style: chr1-94466664-G-A.
Identifiers: ClinVar variation 2003663 (VCV002003663.5), dbSNP rs1055222348, ClinGen allele CA524697329.